The following is an entry in ClinVar:

ClinVar aggregate classification (germline): Likely pathogenic. Review status: criteria provided, multiple submitters, no conflicts (2 of 4 stars). 2 submissions from 2 submitters: Likely pathogenic (2). Last evaluated 2025-04-19.

Allele frequency attached by ClinVar (database versions not stated): gnomAD exomes below 0.00001.

Submissions (2):

GeneDx
Classification: Likely pathogenic. Last evaluated: 2025-04-19. Review status: criteria provided, single submitter. Criteria: GeneDx Variant Classification Process June 2021. Collection method: clinical testing. Allele origin: germline. Affected: yes.
Comment: Canonical splice site variant predicted to result in an in-frame loss of the adjacent exon in a gene for which loss of function is a known mechanism of disease; Not observed at a significant frequency in large population cohorts (gnomAD); Has not been previously published as pathogenic or benign to our knowledge

Labcorp Genetics (formerly Invitae), Labcorp
Classification: Likely pathogenic. Last evaluated: 2024-08-18. Review status: criteria provided, single submitter. Criteria: Invitae Variant Classification Sherloc (09022015). Collection method: clinical testing. Allele origin: germline.
Comment: This sequence change affects a donor splice site in intron 14 of the NSUN2 gene. It is expected to disrupt RNA splicing. Variants that disrupt the donor or acceptor splice site typically lead to a loss of protein function (PMID: 16199547), and loss-of-function variants in NSUN2 are known to be pathogenic (PMID: 22541559, 22577224). The frequency data for this variant in the population databases is considered unreliable, as metrics indicate poor data quality at this position in the gnomAD database. This variant has not been reported in the literature in individuals affected with NSUN2-related conditions. ClinVar contains an entry for this variant (Variation ID: 1181318). Algorithms developed to predict the effect of sequence changes on RNA splicing suggest that this variant may disrupt the consensus splice site. In summary, the currently available evidence indicates that the variant is pathogenic, but additional data are needed to prove that conclusively. Therefore, this variant has been classified as Likely Pathogenic.

Literature cited by the submitters: PubMed 16199547 (cited by Labcorp Genetics (formerly Invitae), Labcorp); PubMed 22541559 (cited by Labcorp Genetics (formerly Invitae), Labcorp); PubMed 22577224 (cited by Labcorp Genetics (formerly Invitae), Labcorp).

NM_017755.6(NSUN2):c.1601+1G>A

Gene: NSUN2 (NOP2/Sun RNA methyltransferase 2; minus strand). Cytogenetic location: 5p15.31.
Variant type: single nucleotide variant.
Coding change: c.1601+1G>A on transcript NM_017755.6 (MANE Select); the canonical splice donor site of the intron after coding-DNA position 1601, G replaced by A.
Molecular consequence: splice donor variant.
Genome position (GRCh38, 1-based): chr5:6,606,819, C>T on the plus strand (G>A on the coding strand, the complement: NSUN2 is on the minus strand). VCF-style: chr5-6606819-C-T. GRCh37 (hg19) VCF-style: chr5-6606932-C-T.
Other names: c.1496+1G>A (NM_001193455.2).
Identifiers: ClinVar variation 1181318 (VCV001181318.5), dbSNP rs1351604858, ClinGen allele CA359117387.
Genomic context (GRCh38, chr5:6,606,819, plus strand): 5'-TACATTTGATACTCTATAGTAAATTTCTTTAAATGAATAATTAAAAAGGCTGAATCCTTA[C>T]TCAATAGGTGGAAATAATGGGTCATCTTCAGGAATAAATACAAATGGATCTTCTTTAAAT-3'